The following is an entry in ClinVar:

NM_001254.4(CDC6):c.923A>G (p.Asn308Ser)

Gene: CDC6 (cell division cycle 6; plus strand). Cytogenetic location: 17q21.2.
Variant type: single nucleotide variant.
Coding change: c.923A>G on transcript NM_001254.4 (MANE Select); coding-DNA position 923, A replaced by G.
Protein change: p.Asn308Ser; replaces asparagine 308 with serine.
Molecular consequence: missense variant.
Genome position (GRCh38, 1-based): chr17:40,294,036, A>G. VCF-style: chr17-40294036-A-G. GRCh37 (hg19) VCF-style: chr17-38450288-A-G.
Other names: short protein forms N308S.
Identifiers: ClinVar variation 3719511 (VCV003719511.2).

ClinVar aggregate classification (germline): Uncertain significance (1 of 4 stars; one submission).

gnomAD v4.1: 22 of 1,612,974 alleles (0.0014%); highest among the groups gnomAD compares: African/African-American, 0.024%; no homozygotes.

Submission:

Labcorp Genetics (formerly Invitae), Labcorp
Classification: Uncertain significance. Last evaluated: 2025-11-10. Review status: criteria provided, single submitter. Criteria: Invitae Variant Classification Sherloc (09022015). Collection method: clinical testing. Allele origin: germline.
Comment: This sequence change replaces asparagine, which is neutral and polar, with serine, which is neutral and polar, at codon 308 of the CDC6 protein (p.Asn308Ser). This variant is present in population databases (rs372249642, gnomAD 0.04%). This variant has not been reported in the literature in individuals affected with CDC6-related conditions. ClinVar contains an entry for this variant (Variation ID: 3719511). An algorithm developed to predict the effect of missense changes on protein structure and function outputs the following: PolyPhen-2: "Benign". The serine amino acid residue is found in multiple mammalian species, which suggests that this missense change does not adversely affect protein function. In summary, the available evidence is currently insufficient to determine the role of this variant in disease. Therefore, it has been classified as a Variant of Uncertain Significance.